The following is an entry in ClinVar:

ClinVar aggregate classification (germline): Uncertain significance (1 of 4 stars; one submission).

Conditions:
Familial thoracic aortic aneurysm and aortic dissection (TAAD). Also called: Thoracic aortic aneurysms and dissections. Identifiers: Orphanet 91387, MedGen C4707243, MONDO:0019625.

Submission:

Ambry Genetics
Classification: Uncertain significance for Familial thoracic aortic aneurysm and aortic dissection. Last evaluated: 2026-07-21. Review status: criteria provided, single submitter. Criteria: Ambry Variant Classification Scheme 2023. Collection method: clinical testing. Allele origin: germline.
Comment: The p.E1287D variant (also known as c.3861G>T), located in coding exon 20 of the MYLK gene, results from a G to T substitution at nucleotide position 3861. The glutamic acid at codon 1287 is replaced by aspartic acid, an amino acid with highly similar properties. This amino acid position is conserved. In addition, this alteration is predicted to be tolerated by in silico analysis. Based on the available evidence, the clinical significance of this variant remains unclear.

NM_053025.4(MYLK):c.3861G>T (p.Glu1287Asp)

Gene: MYLK (myosin light chain kinase; minus strand). Cytogenetic location: 3q21.1.
Variant type: single nucleotide variant.
Coding change: c.3861G>T on transcript NM_053025.4 (MANE Select); coding-DNA position 3861, G replaced by T.
Protein change: p.Glu1287Asp; replaces glutamic acid 1287 with aspartic acid.
Molecular consequence: missense variant.
Genome position (GRCh38, 1-based): chr3:123,664,229, C>A on the plus strand (G>T on the coding strand, the complement: MYLK is on the minus strand). VCF-style: chr3-123664229-C-A. GRCh37 (hg19) VCF-style: chr3-123383076-C-A.
Other names: c.3333G>T, p.Glu1111Asp (NM_001321309.2); c.3654G>T, p.Glu1218Asp (NM_053026.4, NM_053028.4); c.3861G>T, p.Glu1287Asp (NM_053027.4); short protein forms E1287D, E1111D, E1218D.
Identifiers: ClinVar variation 5025204 (VCV005025204.1).